The following is an entry in ClinVar:

ClinVar aggregate classification (germline): Uncertain significance (1 of 4 stars; one submission).

Submission:

Labcorp Genetics (formerly Invitae), Labcorp
Classification: Uncertain significance. Last evaluated: 2024-09-21. Review status: criteria provided, single submitter. Criteria: Invitae Variant Classification Sherloc (09022015). Collection method: clinical testing. Allele origin: germline.
Comment: This sequence change replaces cysteine, which is neutral and slightly polar, with tyrosine, which is neutral and polar, at codon 135 of the GNAT1 protein (p.Cys135Tyr). This variant is not present in population databases (gnomAD no frequency). This variant has not been reported in the literature in individuals affected with GNAT1-related conditions. Invitae Evidence Modeling of protein sequence and biophysical properties (such as structural, functional, and spatial information, amino acid conservation, physicochemical variation, residue mobility, and thermodynamic stability) indicates that this missense variant is expected to disrupt GNAT1 protein function with a positive predictive value of 80%. In summary, the available evidence is currently insufficient to determine the role of this variant in disease. Therefore, it has been classified as a Variant of Uncertain Significance.

NM_144499.3(GNAT1):c.404G>A (p.Cys135Tyr)

Gene: GNAT1 (G protein subunit alpha transducin 1; plus strand). Cytogenetic location: 3p21.31.
Variant type: single nucleotide variant.
Coding change: c.404G>A on transcript NM_144499.3 (MANE Select); coding-DNA position 404, G replaced by A.
Protein change: p.Cys135Tyr; replaces cysteine 135 with tyrosine.
Molecular consequence: missense variant.
Genome position (GRCh38, 1-based): chr3:50,193,618, G>A. VCF-style: chr3-50193618-G-A. GRCh37 (hg19) VCF-style: chr3-50231051-G-A.
Other names: c.404G>A, p.Cys135Tyr (NM_000172.4); short protein forms C135Y.
Identifiers: ClinVar variation 3664665 (VCV003664665.2).
Genomic context (GRCh38, chr3:50,193,618, plus strand): 5'-TGCCCAAGGAGATGTCGGACATCATCCAGCGGCTGTGGAAGGACTCCGGTATCCAGGCCT[G>A]TTTTGAGCGCGCCTCGGAGTACCAGCTCAACGACTCGGCGGGCTAGTGAGCGCGCGGGCA-3'
Protein context (NP_653082.1, residues 125-145): RLWKDSGIQA[Cys135Tyr]FERASEYQLN